The following is an entry in ClinVar:

ClinVar aggregate classification (germline): Conflicting classifications of pathogenicity. Review status: criteria provided, conflicting classifications (1 of 4 stars). 4 submissions from 4 submitters: Uncertain significance (3); Likely benign (1). Last evaluated 2025-08-17.

Conditions:
Hereditary cancer-predisposing syndrome. Also called: Neoplastic Syndromes, Hereditary; Tumor predisposition; Hereditary Cancer Syndrome; Hereditary neoplastic syndrome. Identifiers: Orphanet 140162, MedGen C0027672, MeSH D009386, MONDO:0015356.
Hereditary breast ovarian cancer syndrome. Also called: Hereditary breast and ovarian cancer; Hereditary breast and ovarian cancer syndrome (HBOC); Hereditary breast and ovarian cancer syndrome; Breast and ovarian cancer; Hereditary breast and/or ovarian cancer syndrome; BRCA1- and BRCA2-Associated Hereditary Breast and Ovarian Cancer. Identifiers: Orphanet 145, MedGen C0677776, MeSH D061325, MONDO:0003582. Disease mechanism: loss of function.

Submissions (4):

Labcorp Genetics (formerly Invitae), Labcorp
Classification: Uncertain significance for Hereditary breast ovarian cancer syndrome. Last evaluated: 2025-08-17. Review status: criteria provided, single submitter. Criteria: Invitae Variant Classification Sherloc (09022015). Collection method: clinical testing. Allele origin: germline.
Comment: This sequence change replaces asparagine, which is neutral and polar, with aspartic acid, which is acidic and polar, at codon 704 of the BRCA1 protein (p.Asn704Asp). This variant is not present in population databases (gnomAD no frequency). This variant has not been reported in the literature in individuals affected with BRCA1-related conditions. ClinVar contains an entry for this variant (Variation ID: 1786099). Invitae Evidence Modeling of protein sequence and biophysical properties (such as structural, functional, and spatial information, amino acid conservation, physicochemical variation, residue mobility, and thermodynamic stability) indicates that this missense variant is not expected to disrupt BRCA1 protein function with a negative predictive value of 80%. In summary, the available evidence is currently insufficient to determine the role of this variant in disease. Therefore, it has been classified as a Variant of Uncertain Significance.

Ambry Genetics
Classification: Uncertain significance for Hereditary cancer-predisposing syndrome. Last evaluated: 2025-08-09. Review status: criteria provided, single submitter. Criteria: Ambry Variant Classification Scheme 2023. Collection method: clinical testing. Allele origin: germline.
Comment: The p.N704D variant (also known as c.2110A>G), located in coding exon 9 of the BRCA1 gene, results from an A to G substitution at nucleotide position 2110. The asparagine at codon 704 is replaced by aspartic acid, an amino acid with highly similar properties. This amino acid position is not well conserved in available vertebrate species. In addition, the in silico prediction for this alteration is inconclusive. Since supporting evidence is limited at this time, the clinical significance of this alteration remains unclear.

Quest Diagnostics Nichols Institute San Juan Capistrano
Classification: Uncertain significance. Last evaluated: 2025-07-23. Review status: criteria provided, single submitter. Criteria: Quest Diagnostics criteria. Collection method: clinical testing. Allele origin: unknown.
Comment: The BRCA1 c.2110A>G (p.Asn704Asp) variant has been reported in the published literature in an individual with colorectal cancer (PMID: 38887977 (2024)), and described to be located in a region of the BRCA1 gene that is tolerant to missense sequence changes (PMID: 31911673 (2020)). This variant has not been reported in large, multi-ethnic general populations (Genome Aggregation Database). Analysis of this variant using bioinformatics tools for the prediction of the effect of amino acid changes on protein structure and function yielded predictions that this variant is benign. Based on the available information, we are unable to determine the clinical significance of this variant.

University of Washington Department of Laboratory Medicine, University of Washington
Classification: Likely benign for Hereditary cancer-predisposing syndrome. Last evaluated: 2023-03-23. Review status: criteria provided, single submitter. Criteria: Dines et al. (Genet Med. 2020). Collection method: curation. Allele origin: germline.
Comment: Missense variant in a coldspot region where missense variants are very unlikely to be pathogenic (PMID:31911673).

BRCA1 coldspot (exon 11 using historical exon numbering). Reclassification based on statistical prior probability

Literature cited by the submitters: PubMed 31911673 (cited by Quest Diagnostics Nichols Institute San Juan Capistrano); PubMed 38887977 (cited by Quest Diagnostics Nichols Institute San Juan Capistrano).

NM_007294.4(BRCA1):c.2110A>G (p.Asn704Asp)

Gene: BRCA1 (BRCA1 DNA repair associated; minus strand). Cytogenetic location: 17q21.31.
Variant type: single nucleotide variant.
Coding change: c.2110A>G on transcript NM_007294.4 (MANE Select); coding-DNA position 2110, A replaced by G.
Protein change: p.Asn704Asp; replaces asparagine 704 with aspartic acid.
Molecular consequence: missense variant. On other transcripts: intron variant (137).
Genome position (GRCh38, 1-based): chr17:43,093,421, T>C on the plus strand (A>G on the coding strand, the complement: BRCA1 is on the minus strand). VCF-style: chr17-43093421-T-C. GRCh37 (hg19) VCF-style: chr17-41245438-T-C.
Other names: c.643+1323A>G (NM_001408470.1, NM_001408464.1, NM_001408468.1 and 3 more transcripts); c.646+1323A>G (NM_001408453.1, NM_001408461.1, NM_001408469.1 and 11 more transcripts); c.784+1323A>G (NM_001408397.1, NM_001408401.1, NM_001408396.1 and 13 more transcripts); c.787+1323A>G (NM_001407980.1, NM_001407993.1, NM_001407976.1 and 17 more transcripts); c.664+1323A>G (NM_001408436.1, NM_001408444.1, NM_001408438.1 and 12 more transcripts); c.2110A>G, p.Asn704Asp (NM_001407623.1, NM_001407624.1, NM_001407625.1 and 30 more transcripts); c.2107A>G, p.Asn703Asp (NM_001407627.1, NM_001407628.1, NM_001407629.1 and 22 more transcripts); c.2101A>G, p.Asn701Asp (NM_001407646.1, NM_001407647.1); and 41 more; short protein forms N536D, N577D, N592D, N633D, N634D, N657D, N662D, N663D.
Identifiers: ClinVar variation 1786099 (VCV001786099.11), dbSNP rs1597872096, ClinGen allele CA10597783.